The following is an entry in ClinVar:

NC_000007.13:g.(?_145813093)_(146537016_?)dup

Genes: CNTNAP2 (contactin associated protein 2; plus strand), LOC123956262 (Sharpr-MPRA regulatory region 553; plus strand), LOC129389920 (MPRA-validated peak6825 silencer; plus strand). Cytogenetic location: 7q35.
Variant type: Duplication.
Identifiers: ClinVar variation 584067 (VCV000584067.8).

ClinVar aggregate classification (germline): Uncertain significance (1 of 4 stars; one submission).

Conditions:
Cortical dysplasia-focal epilepsy syndrome (PTHSL1). Also called: Pitt-Hopkins-like syndrome 1. Identifiers: Orphanet 163681, Orphanet 221150, MedGen C2750246, MONDO:0012400, OMIM 610042.

Submission:

Labcorp Genetics (formerly Invitae), Labcorp
Classification: Uncertain significance for Cortical dysplasia-focal epilepsy syndrome. Last evaluated: 2021-03-05. Review status: criteria provided, single submitter. Criteria: Invitae Variant Classification Sherloc (09022015). Collection method: clinical testing. Allele origin: germline.
Comment: In summary, the available evidence is currently insufficient to determine the role of this variant in disease. Therefore, it has been classified as a Variant of Uncertain Significance. Experimental studies and prediction algorithms are not available or were not evaluated, and the functional significance of this variant is currently unknown. This variant has not been reported in the literature in individuals with CNTNAP2-related conditions. This variant results in a copy number gain of the genomic region encompassing exon(s) 1-3 of the CNTNAP2 gene. This region includes the initiator codon of the gene. The 5' end of this event is unknown as it extends beyond the assayed region for this gene and therefore may encompass additional genes. The 3' boundary is likely confined to intron 3 of the CNTNAP2 gene. As the precise location of this event is unknown, it may be in tandem or it may be located elsewhere in the genome.